The following is an entry in ClinVar:

ClinVar aggregate classification (germline): Uncertain significance (1 of 4 stars; one submission).

Conditions:
Emery-Dreifuss muscular dystrophy 5, autosomal dominant (EDMD5). Also called: EMERY-DREIFUSS MUSCULAR DYSTROPHY 5. Identifiers: Orphanet 261, MedGen C2751805, MONDO:0013072, OMIM 612999.

gnomAD v4.1: 3 of 1,614,116 alleles (0.00019%); highest among the groups gnomAD compares: Non-Finnish European, 0.00017%; no homozygotes.

Submission:

Labcorp Genetics (formerly Invitae), Labcorp
Classification: Uncertain significance for Emery-Dreifuss muscular dystrophy 5, autosomal dominant. Last evaluated: 2025-07-30. Review status: criteria provided, single submitter. Criteria: Invitae Variant Classification Sherloc (09022015). Collection method: clinical testing. Allele origin: germline.
Comment: This sequence change replaces cysteine, which is neutral and slightly polar, with tyrosine, which is neutral and polar, at codon 3564 of the SYNE2 protein (p.Cys3564Tyr). This variant is not present in population databases (gnomAD no frequency). This variant has not been reported in the literature in individuals affected with SYNE2-related conditions. An algorithm developed to predict the effect of missense changes on protein structure and function (PolyPhen-2) suggests that this variant is likely to be disruptive. In summary, the available evidence is currently insufficient to determine the role of this variant in disease. Therefore, it has been classified as a Variant of Uncertain Significance.

NM_182914.3(SYNE2):c.10691G>A (p.Cys3564Tyr)

Gene: SYNE2 (spectrin repeat containing nuclear envelope protein 2; plus strand). Cytogenetic location: 14q23.2.
Variant type: single nucleotide variant.
Coding change: c.10691G>A on transcript NM_182914.3 (MANE Select); coding-DNA position 10691, G replaced by A.
Protein change: p.Cys3564Tyr; replaces cysteine 3564 with tyrosine.
Molecular consequence: missense variant.
Genome position (GRCh38, 1-based): chr14:64,070,904, G>A. VCF-style: chr14-64070904-G-A. GRCh37 (hg19) VCF-style: chr14-64537622-G-A.
Other names: c.10691G>A, p.Cys3564Tyr (NM_015180.6); short protein forms C3564Y.
Identifiers: ClinVar variation 4775559 (VCV004775559.1).